The following is an entry in ClinVar:

ClinVar aggregate classification (germline): Likely benign (0 of 4 stars; one submission).

Conditions:
RAI1-related disorder. Also called: RAI1-related condition.

Submission:

PreventionGenetics, part of Exact Sciences
Classification: Likely benign for RAI1-related condition. Last evaluated: 2023-08-16. Review status: no assertion criteria provided. Collection method: clinical testing. Allele origin: germline.
Comment: This variant is classified as likely benign based on ACMG/AMP sequence variant interpretation guidelines (Richards et al. 2015 PMID: 25741868, with internal and published modifications).

NM_030665.4(RAI1):c.4053C>T (p.Ala1351=)

Gene: RAI1 (retinoic acid induced 1; plus strand). Cytogenetic location: 17p11.2.
Variant type: single nucleotide variant.
Coding change: c.4053C>T on transcript NM_030665.4 (MANE Select); coding-DNA position 4053, C replaced by T.
Protein change: p.Ala1351=; no amino-acid change (alanine 1351 retained).
Molecular consequence: synonymous variant.
Genome position (GRCh38, 1-based): chr17:17,797,001, C>T. VCF-style: chr17-17797001-C-T. GRCh37 (hg19) VCF-style: chr17-17700315-C-T.
Identifiers: ClinVar variation 3348339 (VCV003348339.1).
Genomic context (GRCh38, chr17:17,797,001, plus strand): 5'-CATCGTGCAGAAGATCACCTCGCCCAGCCTCAAGAAGTTCGCATGTAAAGCGCCAGGGGC[C>T]TCTCCTGGTAATCCTCTGAGCCCATCCCTTTCCGACAAAGACCGTGGGCTCAAGGGTGCT-3'
Protein context (NP_109590.3, residues 1341-1361): LKKFACKAPG[Ala1351=]SPGNPLSPSL